The following is an entry in ClinVar:

NM_181507.2(HPS5):c.1405T>C (p.Ser469Pro)

Gene: HPS5 (HPS5 biogenesis of lysosomal organelles complex 2 subunit 2; minus strand). Cytogenetic location: 11p15.1.
Variant type: single nucleotide variant.
Coding change: c.1405T>C on transcript NM_181507.2 (MANE Select); coding-DNA position 1405, T replaced by C.
Protein change: p.Ser469Pro; replaces serine 469 with proline.
Molecular consequence: missense variant.
Genome position (GRCh38, 1-based): chr11:18,296,903, A>G on the plus strand (T>C on the coding strand, the complement: HPS5 is on the minus strand). VCF-style: chr11-18296903-A-G. GRCh37 (hg19) VCF-style: chr11-18318450-A-G.
Other names: c.1063T>C, p.Ser355Pro (NM_007216.4, NM_181508.2); short protein forms S469P, S355P.
Identifiers: ClinVar variation 1461945 (VCV001461945.6), dbSNP rs1389792281, ClinGen allele CA379495525.

ClinVar aggregate classification (germline): Uncertain significance (1 of 4 stars; one submission).

Submission:

Labcorp Genetics (formerly Invitae), Labcorp
Classification: Uncertain significance. Last evaluated: 2022-02-11. Review status: criteria provided, single submitter. Criteria: Invitae Variant Classification Sherloc (09022015). Collection method: clinical testing. Allele origin: germline.
Comment: This variant has not been reported in the literature in individuals affected with HPS5-related conditions. This sequence change replaces serine, which is neutral and polar, with proline, which is neutral and non-polar, at codon 469 of the HPS5 protein (p.Ser469Pro). This variant is not present in population databases (gnomAD no frequency). Algorithms developed to predict the effect of missense changes on protein structure and function are either unavailable or do not agree on the potential impact of this missense change (SIFT: "Tolerated"; PolyPhen-2: "Probably Damaging"; Align-GVGD: "Class C0"). In summary, the available evidence is currently insufficient to determine the role of this variant in disease. Therefore, it has been classified as a Variant of Uncertain Significance.